The following is an entry in ClinVar:

NM_000685.5(AGTR1):c.193G>A (p.Val65Ile)

Gene: AGTR1 (angiotensin II receptor type 1; plus strand). Cytogenetic location: 3q24.
Variant type: single nucleotide variant.
Coding change: c.193G>A on transcript NM_000685.5 (MANE Select); coding-DNA position 193, G replaced by A.
Protein change: p.Val65Ile; replaces valine 65 with isoleucine.
Molecular consequence: missense variant.
Genome position (GRCh38, 1-based): chr3:148,741,228, G>A. VCF-style: chr3-148741228-G-A. GRCh37 (hg19) VCF-style: chr3-148459015-G-A.
Other names: c.193G>A, p.Val65Ile (NM_001382736.1, NM_001382737.1, NM_004835.5 and 3 more transcripts); c.193G>A (NM_000685.4); short protein forms V65I, V100I.
Identifiers: ClinVar variation 726987 (VCV000726987.15), dbSNP rs111980524, ClinGen allele CA2657287.
Genomic context (GRCh38, chr3:148,741,228, plus strand): 5'-GGAAACAGCTTGGTGGTGATAGTCATTTACTTTTATATGAAGCTGAAGACTGTGGCCAGT[G>A]TTTTTCTTTTGAATTTAGCACTGGCTGACTTATGCTTTTTACTGACTTTGCCACTATGGG-3'
Protein context (NP_000676.1, residues 55-75): FYMKLKTVAS[Val65Ile]FLLNLALADL

ClinVar aggregate classification (germline): Likely benign. Review status: criteria provided, multiple submitters, no conflicts (2 of 4 stars). 4 submissions from 4 submitters: Likely benign (3). 1 of the submissions does not count toward it. Last evaluated 2025-11-23.

Conditions:
AGTR1-related disorder. Also called: AGTR1-related condition.
Renal tubular dysgenesis. Also called: Renotubular dysgenesis. Identifiers: Orphanet 3033, MedGen C0266313, MONDO:0017609, HP:0008660.

Allele frequency attached by ClinVar (database versions not stated): 1000 Genomes Project 0.00180; 1000 Genomes Project 30x 0.00187; ESP Exome Variant Server 0.00192; ExAC 0.00036; gnomAD 0.00124; TOPMed 0.00145.
gnomAD v4.1: 407 of 1,614,036 alleles (0.025%); highest among the groups gnomAD compares: African/African-American, 0.47%; 2 homozygotes.

Submissions (4):

Labcorp Genetics (formerly Invitae), Labcorp
Classification: Likely benign. Last evaluated: 2025-11-23. Review status: criteria provided, single submitter. Criteria: Invitae Variant Classification Sherloc (09022015). Collection method: clinical testing. Allele origin: germline.

Illumina Laboratory Services, Illumina
Classification: Likely benign for Renal tubular dysgenesis of genetic origin. Last evaluated: 2018-01-13. Review status: criteria provided, single submitter. Criteria: ICSL Variant Classification Criteria 13 December 2019. Collection method: clinical testing. Allele origin: germline.
Comment: This variant was observed in the ICSL laboratory as part of a predisposition screen in an ostensibly healthy population. It had not been previously curated by ICSL or reported in the Human Gene Mutation Database (HGMD: prior to June 1st, 2018), and was therefore a candidate for classification through an automated scoring system. Utilizing variant allele frequency, disease prevalence and penetrance estimates, and inheritance mode, an automated score was calculated to assess if this variant is too frequent to cause the disease. Based on the score and internal cut-off values, a variant classified as likely benign is not then subjected to further curation. The score for this variant resulted in a classification of likely benign for this disease.

Breakthrough Genomics
Classification: Likely benign. Review status: criteria provided, single submitter. Criteria: ACMG Guidelines, 2015. Collection method: not provided. Allele origin: germline. Inheritance: Autosomal recessive inheritance. Affected: yes.

PreventionGenetics, part of Exact Sciences
Classification: Likely benign for AGTR1-related condition. Last evaluated: 2024-03-28. Review status: no assertion criteria provided. Collection method: clinical testing. Allele origin: germline. Not counted in ClinVar's aggregate classification.
Comment: This variant is classified as likely benign based on ACMG/AMP sequence variant interpretation guidelines (Richards et al. 2015 PMID: 25741868, with internal and published modifications).